The following is an entry in ClinVar:

NM_000136.3(FANCC):c.1489T>G (p.Trp497Gly)

Genes: AOPEP (aminopeptidase O (putative); plus strand), FANCC (FA complementation group C; minus strand). Cytogenetic location: 9q22.32.
Variant type: single nucleotide variant.
Coding change: c.1489T>G on transcript NM_000136.3 (MANE Select); coding-DNA position 1489, T replaced by G.
Protein change: p.Trp497Gly; replaces tryptophan 497 with glycine.
Molecular consequence: missense variant.
Genome position (GRCh38, 1-based): chr9:95,107,110, A>C on the plus strand (T>G on the coding strand, the complement: FANCC is on the minus strand). VCF-style: chr9-95107110-A-C. GRCh37 (hg19) VCF-style: chr9-97869392-A-C.
Other names: c.1489T>G, p.Trp497Gly (NM_001243743.2); short protein forms W497G.
Identifiers: ClinVar variation 4870952 (VCV004870952.1).
Genomic context (GRCh38, chr9:95,107,110, plus strand): 5'-CCACAGGGAGACTTACCAGGGTGATGACATCCCAGGCGATCGTGTGGCCTCCAGGAGCCC[A>C]GAGCAGGAAGTTGAGGAGAAGGTGCCTGATCAGCTGTTGTGCAGGAGCTCTGAGGTCTGT-3'
Protein context (NP_000127.2, residues 487-507): IRHLLLNFLL[Trp497Gly]APGGHTIAWD

ClinVar aggregate classification (germline): Uncertain significance (1 of 4 stars; one submission).

Conditions:
Hereditary cancer-predisposing syndrome. Also called: Neoplastic Syndromes, Hereditary; Hereditary Cancer Syndrome; Hereditary neoplastic syndrome; Tumor predisposition. Identifiers: Orphanet 140162, MedGen C0027672, MeSH D009386, MONDO:0015356.

Submission:

Ambry Genetics
Classification: Uncertain significance for Hereditary cancer-predisposing syndrome. Last evaluated: 2026-04-27. Review status: criteria provided, single submitter. Criteria: Ambry Variant Classification Scheme 2023. Collection method: clinical testing. Allele origin: germline.
Comment: The p.W497G variant (also known as c.1489T>G), located in coding exon 13 of the FANCC gene, results from a T to G substitution at nucleotide position 1489. The tryptophan at codon 497 is replaced by glycine, an amino acid with highly dissimilar properties. This amino acid position is conserved. In addition, this alteration is predicted to be tolerated by in silico analysis. Based on the available evidence, the clinical significance of this variant remains unclear.